The following is an entry in ClinVar:

ClinVar aggregate classification (germline): Uncertain significance (1 of 4 stars; one submission).

Allele frequency attached by ClinVar (database versions not stated): gnomAD exomes below 0.00001.
gnomAD v4.1: 2 of 1,613,838 alleles (0.00012%); highest among the groups gnomAD compares: Non-Finnish European, 0.00017%; no homozygotes.

Submission:

Labcorp Genetics (formerly Invitae), Labcorp
Classification: Uncertain significance. Last evaluated: 2022-11-08. Review status: criteria provided, single submitter. Criteria: Invitae Variant Classification Sherloc (09022015). Collection method: clinical testing. Allele origin: germline.
Comment: In summary, the available evidence is currently insufficient to determine the role of this variant in disease. Therefore, it has been classified as a Variant of Uncertain Significance. Algorithms developed to predict the effect of missense changes on protein structure and function are either unavailable or do not agree on the potential impact of this missense change (SIFT: "Tolerated"; PolyPhen-2: "Possibly Damaging"; Align-GVGD: "Class C0"). This variant has not been reported in the literature in individuals affected with SPEG-related conditions. This variant is present in population databases (no rsID available, gnomAD 0.0009%). This sequence change replaces glycine, which is neutral and non-polar, with tryptophan, which is neutral and slightly polar, at codon 1497 of the SPEG protein (p.Gly1497Trp).

NM_005876.5(SPEG):c.4489G>T (p.Gly1497Trp)

Gene: SPEG (striated muscle enriched protein kinase; plus strand). Cytogenetic location: 2q35.
Variant type: single nucleotide variant.
Coding change: c.4489G>T on transcript NM_005876.5 (MANE Select); coding-DNA position 4489, G replaced by T.
Protein change: p.Gly1497Trp; replaces glycine 1497 with tryptophan.
Molecular consequence: missense variant.
Genome position (GRCh38, 1-based): chr2:219,476,911, G>T. VCF-style: chr2-219476911-G-T. GRCh37 (hg19) VCF-style: chr2-220341633-G-T.
Other names: short protein forms G1497W.
Identifiers: ClinVar variation 1968208 (VCV001968208.5), dbSNP rs1262005475, ClinGen allele CA350679848.
Genomic context (GRCh38, chr2:219,476,911, plus strand): 5'-CTATCCCCATGTGTTTCAGAGGCCCCTCGGTTTGAGTCCATCATGGAGGACGTGGAGGTG[G>T]GGGCTGGGGAAACTGCTCGCTTTGCGGTGGTGGTCGAGGGAAAACCACTGCCGGACATCA-3'
Protein context (NP_005867.3, residues 1487-1507): FESIMEDVEV[Gly1497Trp]AGETARFAVV